The following is an entry in ClinVar:

ClinVar aggregate classification (germline): Uncertain significance (1 of 4 stars; one submission).

Conditions:
Bifunctional peroxisomal enzyme deficiency (DBIF). Also called: DBP DEFICIENCY; PBFE DEFICIENCY; D-bifunctional protein deficiency. Identifiers: Orphanet 300, MedGen C0342870, MONDO:0009855, OMIM 261515. Disease mechanism: loss of function.

Submission:

3billion
Classification: Uncertain significance for Bifunctional peroxisomal enzyme deficiency. Last evaluated: 2024-11-14. Review status: criteria provided, single submitter. Criteria: ACMG Guidelines, 2015. Collection method: clinical testing. Allele origin: germline. Affected: yes.
Comment: The variant is not observed in the gnomAD v4.1.0 dataset. Predicted Consequence/Location: Missense variant. The majority of the known disease-causing variants of this gene are variants expected to result in premature termination of the protein. In silico tool predictions suggest damaging effect of the variant on gene or gene product [REVEL: 0.87 (>=0.6, sensitivity 0.68 and specificity 0.92)]. Therefore, this variant is classified as VUS according to the recommendation of ACMG/AMP guideline.

NM_000414.4(HSD17B4):c.1706C>T (p.Pro569Leu)

Gene: HSD17B4 (hydroxysteroid 17-beta dehydrogenase 4; plus strand). Cytogenetic location: 5q23.1.
Variant type: single nucleotide variant.
Coding change: c.1706C>T on transcript NM_000414.4 (MANE Select); coding-DNA position 1706, C replaced by T.
Protein change: p.Pro569Leu; replaces proline 569 with leucine.
Molecular consequence: missense variant. On other transcripts: non-coding transcript variant (2).
Genome position (GRCh38, 1-based): chr5:119,527,158, C>T. VCF-style: chr5-119527158-C-T. GRCh37 (hg19) VCF-style: chr5-118862853-C-T.
Other names: c.1781C>T, p.Pro594Leu (NM_001199291.3); c.1652C>T, p.Pro551Leu (NM_001199292.2); c.1634C>T, p.Pro545Leu (NM_001292027.2, NM_001374498.1); c.1286C>T, p.Pro429Leu (NM_001292028.2); c.1697C>T, p.Pro566Leu (NM_001374497.1); c.1379C>T, p.Pro460Leu (NM_001374499.1); c.1265C>T, p.Pro422Leu (NM_001374500.1); c.1295C>T, p.Pro432Leu (NM_001374501.1, NM_001374502.1, NM_001374503.1); short protein forms P422L, P429L, P432L, P460L, P545L, P551L, P566L, P569L.
Identifiers: ClinVar variation 4291799 (VCV004291799.1).